The following is an entry in ClinVar:

NM_004168.4(SDHA):c.236G>A (p.Gly79Asp)

Gene: SDHA (succinate dehydrogenase complex flavoprotein subunit A; plus strand). Cytogenetic location: 5p15.33.
Variant type: single nucleotide variant.
Coding change: c.236G>A on transcript NM_004168.4 (MANE Select); coding-DNA position 236, G replaced by A.
Protein change: p.Gly79Asp; replaces glycine 79 with aspartic acid.
Molecular consequence: missense variant.
Genome position (GRCh38, 1-based): chr5:224,445, G>A. VCF-style: chr5-224445-G-A. GRCh37 (hg19) VCF-style: chr5-224560-G-A.
Other names: c.236G>A, p.Gly79Asp (NM_001294332.2, NM_001330758.2); short protein forms G79D.
Identifiers: ClinVar variation 845269 (VCV000845269.15), dbSNP rs759568419, ClinGen allele CA3172754.

ClinVar aggregate classification (germline): Uncertain significance. Review status: criteria provided, multiple submitters, no conflicts (2 of 4 stars). 4 submissions from 4 submitters: Uncertain significance (4). Last evaluated 2025-11-09.

Conditions:
Dilated cardiomyopathy 1GG (CMD1GG). Identifiers: Orphanet 154, MedGen C3150898, MONDO:0013339, OMIM 613642.
Pheochromocytoma/paraganglioma syndrome 5. Also called: Paragangliomas 5; SDHA-Related Hereditary Paraganglioma-Pheochromocytoma Syndrome. Identifiers: Orphanet 29072, MedGen C3279992, MONDO:0013602, OMIM 614165.
Mitochondrial complex II deficiency, nuclear type 1. Also called: SUCCINATE CoQ REDUCTASE DEFICIENCY. Identifiers: Orphanet 3208, MedGen C5700310, MONDO:0100294, OMIM 252011.
Hereditary cancer-predisposing syndrome. Also called: Tumor predisposition; Hereditary neoplastic syndrome; Neoplastic Syndromes, Hereditary; Hereditary Cancer Syndrome. Identifiers: Orphanet 140162, MedGen C0027672, MeSH D009386, MONDO:0015356.

Allele frequency attached by ClinVar (database versions not stated): gnomAD exomes below 0.00001; ExAC 0.00001.
gnomAD v4.1: 4 of 1,613,636 alleles (0.00025%); highest among the groups gnomAD compares: Non-Finnish European, 0.00025%; no homozygotes.

Submissions (4):

Labcorp Genetics (formerly Invitae), Labcorp
Classification: Uncertain significance for Pheochromocytoma/paraganglioma syndrome 5; Mitochondrial complex II deficiency, nuclear type 1. Last evaluated: 2025-11-09. Review status: criteria provided, single submitter. Criteria: Invitae Variant Classification Sherloc (09022015). Collection method: clinical testing. Allele origin: germline.
Comment: This sequence change replaces glycine, which is neutral and non-polar, with aspartic acid, which is acidic and polar, at codon 79 of the SDHA protein (p.Gly79Asp). This variant is present in population databases (rs759568419, gnomAD 0.0009%). This variant has not been reported in the literature in individuals affected with SDHA-related conditions. ClinVar contains an entry for this variant (Variation ID: 845269). Invitae Evidence Modeling of protein sequence and biophysical properties (such as structural, functional, and spatial information, amino acid conservation, physicochemical variation, residue mobility, and thermodynamic stability) has been performed for this missense variant. However, the output from this modeling did not meet the statistical confidence thresholds required to predict the impact of this variant on SDHA protein function. In summary, the available evidence is currently insufficient to determine the role of this variant in disease. Therefore, it has been classified as a Variant of Uncertain Significance.

Ambry Genetics
Classification: Uncertain significance for Hereditary cancer-predisposing syndrome. Last evaluated: 2025-10-28. Review status: criteria provided, single submitter. Criteria: Ambry Variant Classification Scheme 2023. Collection method: clinical testing. Allele origin: germline.
Comment: The p.G79D variant (also known as c.236G>A), located in coding exon 3 of the SDHA gene, results from a G to A substitution at nucleotide position 236. The glycine at codon 79 is replaced by aspartic acid, an amino acid with similar properties. This amino acid position is conserved. In addition, this alteration is predicted to be deleterious by in silico analysis. Since supporting evidence is limited at this time, the clinical significance of this alteration remains unclear.

GeneDx
Classification: Uncertain significance. Last evaluated: 2025-06-20. Review status: criteria provided, single submitter. Criteria: GeneDx Variant Classification Process June 2021. Collection method: clinical testing. Allele origin: germline. Affected: yes.
Comment: Not observed at significant frequency in large population cohorts (gnomAD); In silico analysis supports that this missense variant has a deleterious effect on protein structure/function; Has not been previously published as pathogenic or benign to our knowledge

Baylor Genetics
Classification: Uncertain significance for Dilated cardiomyopathy 1GG. Last evaluated: 2023-12-29. Review status: criteria provided, single submitter. Criteria: ACMG Guidelines, 2015. Collection method: clinical testing. Allele origin: unknown.